The following is an entry in ClinVar:

ClinVar aggregate classification (germline): Benign (1 of 4 stars; one submission).

Conditions:
Glycogen storage disease, type II (IOPD). Also called: Pompe Disease; CARDIOMEGALIA GLYCOGENICA DIFFUSA; GLYCOGENOSIS, GENERALIZED, CARDIAC FORM; GSD II; POMPE DISEASE, INFANTILE-ONSET; GLYCOGEN STORAGE DISEASE II, INFANTILE-ONSET. Identifiers: Orphanet 365, MedGen C0017921, MONDO:0009290, OMIM 232300.

gnomAD v4.1: 1,658 of 152,010 alleles (1.1%); highest among the groups gnomAD compares: African/African-American, 3.7%; 33 homozygotes.

Submission:

Genomenon, Inc
Classification: Benign for Glycogen storage disease, type II. Last evaluated: 2026-07-01. Review status: criteria provided, single submitter. Criteria: Genomenon Sequence Variant Interpretation Standards - Updated. Collection method: curation. Allele origin: germline. Affected: no.
Comment: GAA c.2190-1531G>A is an intronic variant located in intron 15. This variant is present at high allele frequency in population databases. We classify GAA c.2190-1531G>A as a benign variant.

NM_000152.5(GAA):c.2190-1531G>A

Gene: GAA (alpha glucosidase; plus strand). Cytogenetic location: 17q25.3.
Variant type: single nucleotide variant.
Coding change: c.2190-1531G>A on transcript NM_000152.5 (MANE Select); 1531 bases into the intron before coding-DNA position 2190, G replaced by A.
Molecular consequence: intron variant.
Genome position (GRCh38, 1-based): chr17:80,115,437, G>A. VCF-style: chr17-80115437-G-A. GRCh37 (hg19) VCF-style: chr17-78089236-G-A.
Other names: c.2190-1531G>A (NM_001406741.1, NM_001406742.1, NM_001079803.3 and 1 more transcripts).
Identifiers: ClinVar variation 4876373 (VCV004876373.1).